The following is an entry in ClinVar:

NM_004341.5(CAD):c.5347G>A (p.Val1783Ile)

Gene: CAD (carbamoyl-phosphate synthetase 2, aspartate transcarbamylase, and dihydroorotase; plus strand). Cytogenetic location: 2p23.3.
Variant type: single nucleotide variant.
Coding change: c.5347G>A on transcript NM_004341.5 (MANE Select); coding-DNA position 5347, G replaced by A.
Protein change: p.Val1783Ile; replaces valine 1783 with isoleucine.
Molecular consequence: missense variant.
Genome position (GRCh38, 1-based): chr2:27,239,424, G>A. VCF-style: chr2-27239424-G-A. GRCh37 (hg19) VCF-style: chr2-27462292-G-A.
Other names: c.5158G>A, p.Val1720Ile (NM_001306079.2); short protein forms V1783I, V1720I.
Identifiers: ClinVar variation 1426159 (VCV001426159.6), dbSNP rs775234790, ClinGen allele CA1573819.

ClinVar aggregate classification (germline): Conflicting classifications of pathogenicity. Review status: criteria provided, conflicting classifications (1 of 4 stars). 3 submissions from 3 submitters: Uncertain significance (2); Likely benign (1). Last evaluated 2024-09-24.

Allele frequency attached by ClinVar (database versions not stated): gnomAD 0.00003 and 0.00004; gnomAD exomes 0.00003 and 0.00005; TOPMed 0.00004; ExAC 0.00005.

Submissions (3):

Blueprint Genetics
Classification: Likely benign. Last evaluated: 2024-09-24. Review status: criteria provided, single submitter. Criteria: ACMG Guidelines, 2015. Collection method: clinical testing. Allele origin: germline.

Women's Health and Genetics/Laboratory Corporation of America, LabCorp
Classification: Uncertain significance. Last evaluated: 2023-11-13. Review status: criteria provided, single submitter. Criteria: LabCorp Variant Classification Summary - May 2015. Collection method: clinical testing. Allele origin: germline.
Comment: Variant summary: CAD c.5347G>A (p.Val1783Ile) results in a conservative amino acid change in the encoded protein sequence. Three of five in-silico tools predict a benign effect of the variant on protein function. The variant allele was found at a frequency of 5.2e-05 in 250970 control chromosomes. This frequency is not significantly higher than estimated for a pathogenic variant in CAD causing Early Infantile Epileptic Encephalopathy, 50 (5.2e-05 vs 0.0011), allowing no conclusion about variant significance. To our knowledge, no occurrence of c.5347G>A in individuals affected with Early Infantile Epileptic Encephalopathy, 50 and no experimental evidence demonstrating its impact on protein function have been reported. One submitter has cited clinical-significance assessments for this variant to ClinVar after 2014 and has classified the variant as uncertain significance. Based on the evidence outlined above, the variant was classified as uncertain significance.

Labcorp Genetics (formerly Invitae), Labcorp
Classification: Uncertain significance. Last evaluated: 2022-08-01. Review status: criteria provided, single submitter. Criteria: Invitae Variant Classification Sherloc (09022015). Collection method: clinical testing. Allele origin: germline.
Comment: This sequence change replaces valine, which is neutral and non-polar, with isoleucine, which is neutral and non-polar, at codon 1783 of the CAD protein (p.Val1783Ile). This variant is present in population databases (rs775234790, gnomAD 0.009%). This variant has not been reported in the literature in individuals affected with CAD-related conditions. ClinVar contains an entry for this variant (Variation ID: 1426159). Algorithms developed to predict the effect of missense changes on protein structure and function output the following: SIFT: "Tolerated"; PolyPhen-2: "Benign"; Align-GVGD: "Class C0". The isoleucine amino acid residue is found in multiple mammalian species, which suggests that this missense change does not adversely affect protein function. In summary, the available evidence is currently insufficient to determine the role of this variant in disease. Therefore, it has been classified as a Variant of Uncertain Significance.